The following is an entry in ClinVar:

ClinVar aggregate classification (germline): Uncertain significance (1 of 4 stars; one submission).

Conditions:
Cardiovascular phenotype. Identifiers: MedGen CN230736.

Submission:

Ambry Genetics
Classification: Uncertain significance for Cardiovascular phenotype. Last evaluated: 2023-04-22. Review status: criteria provided, single submitter. Criteria: Ambry Variant Classification Scheme 2023. Collection method: clinical testing. Allele origin: germline.
Comment: The p.R927S variant (also known as c.2779C>A), located in coding exon 1 of the ZNF469 gene, results from a C to A substitution at nucleotide position 2779. The arginine at codon 927 is replaced by serine, an amino acid with dissimilar properties. This amino acid position is conserved. In addition, this alteration is predicted to be tolerated by in silico analysis. Since supporting evidence is limited at this time, the clinical significance of this alteration remains unclear.

NM_001367624.2(ZNF469):c.2779C>A (p.Arg927Ser)

Gene: ZNF469 (zinc finger protein 469; plus strand). Cytogenetic location: 16q24.2.
Variant type: single nucleotide variant.
Coding change: c.2779C>A on transcript NM_001367624.2 (MANE Select); coding-DNA position 2779, C replaced by A.
Protein change: p.Arg927Ser; replaces arginine 927 with serine.
Molecular consequence: missense variant.
Genome position (GRCh38, 1-based): chr16:88,430,249, C>A. VCF-style: chr16-88430249-C-A. GRCh37 (hg19) VCF-style: chr16-88496657-C-A.
Other names: NM_001127464.1:c.2779C>A; short protein forms R927S.
Identifiers: ClinVar variation 2564234 (VCV002564234.2), dbSNP rs913278695, ClinGen allele CA397075447.